The following is an entry in ClinVar:

NM_004369.4(COL6A3):c.1051G>C (p.Val351Leu)

Gene: COL6A3 (collagen type VI alpha 3 chain; minus strand). Cytogenetic location: 2q37.3.
Variant type: single nucleotide variant.
Coding change: c.1051G>C on transcript NM_004369.4 (MANE Select); coding-DNA position 1051, G replaced by C.
Protein change: p.Val351Leu; replaces valine 351 with leucine.
Molecular consequence: missense variant. On other transcripts: intron variant (2).
Genome position (GRCh38, 1-based): chr2:237,387,843, C>G on the plus strand (G>C on the coding strand, the complement: COL6A3 is on the minus strand). VCF-style: chr2-237387843-C-G. GRCh37 (hg19) VCF-style: chr2-238296486-C-G.
Other names: c.433G>C, p.Val145Leu (NM_057165.5, NM_057167.4); c.92-6344G>C (NM_057166.5, NM_057164.5); short protein forms V145L, V351L.
Identifiers: ClinVar variation 3634148 (VCV003634148.2).

ClinVar aggregate classification (germline): Uncertain significance (1 of 4 stars; one submission).

Conditions:
Bethlem myopathy 1A. Also called: Bethlem myopathy 1; MYOPATHY, BENIGN CONGENITAL, WITH CONTRACTURES; Bethlem Muscular Dystrophy. Identifiers: Orphanet 610, MedGen CN029274, MONDO:0024530, OMIM 158810.

Submission:

Labcorp Genetics (formerly Invitae), Labcorp
Classification: Uncertain significance for Bethlem myopathy 1A. Last evaluated: 2024-10-08. Review status: criteria provided, single submitter. Criteria: Invitae Variant Classification Sherloc (09022015). Collection method: clinical testing. Allele origin: germline.
Comment: This sequence change replaces valine, which is neutral and non-polar, with leucine, which is neutral and non-polar, at codon 351 of the COL6A3 protein (p.Val351Leu). This variant is not present in population databases (gnomAD no frequency). This variant has not been reported in the literature in individuals affected with COL6A3-related conditions. Invitae Evidence Modeling of protein sequence and biophysical properties (such as structural, functional, and spatial information, amino acid conservation, physicochemical variation, residue mobility, and thermodynamic stability) indicates that this missense variant is not expected to disrupt COL6A3 protein function with a negative predictive value of 95%. In summary, the available evidence is currently insufficient to determine the role of this variant in disease. Therefore, it has been classified as a Variant of Uncertain Significance.